The following is an entry in ClinVar:

ClinVar aggregate classification (germline): Likely benign. Review status: criteria provided, single submitter (1 of 4 stars). 2 submissions from 2 submitters: Likely benign (1). 1 of the submissions does not count toward it. Last evaluated 2023-10-03.

Conditions:
MKS1-related disorder. Also called: MKS1-related disorders; MKS1-related condition. Identifiers: MedGen CN239382.
Meckel-Gruber syndrome. Also called: Dysencephalia splachnocystica; DYSENCEPHALIA SPLANCHNOCYSTICA; GRUBER SYNDROME. Identifiers: Orphanet 564, MedGen C0265215, MONDO:0018921.
Joubert syndrome. Also called: JOUBERT-BOLTSHAUSER SYNDROME; Familial aplasia of the vermis. Identifiers: Orphanet 475, MedGen C5979921, MONDO:0018772.

Submissions (2):

Labcorp Genetics (formerly Invitae), Labcorp
Classification: Likely benign for Joubert syndrome; Meckel-Gruber syndrome. Last evaluated: 2023-10-03. Review status: criteria provided, single submitter. Criteria: Invitae Variant Classification Sherloc (09022015). Collection method: clinical testing. Allele origin: germline.

PreventionGenetics, part of Exact Sciences
Classification: Likely benign for MKS1-related condition. Last evaluated: 2024-09-26. Review status: no assertion criteria provided. Collection method: clinical testing. Allele origin: germline. Not counted in ClinVar's aggregate classification.
Comment: This variant is classified as likely benign based on ACMG/AMP sequence variant interpretation guidelines (Richards et al. 2015 PMID: 25741868, with internal and published modifications).

NM_017777.4(MKS1):c.1210C>T (p.Leu404=)

Gene: MKS1 (MKS transition zone complex subunit 1; minus strand). Cytogenetic location: 17q22.
Variant type: single nucleotide variant.
Coding change: c.1210C>T on transcript NM_017777.4 (MANE Select); coding-DNA position 1210, C replaced by T.
Protein change: p.Leu404=; no amino-acid change (leucine 404 retained).
Molecular consequence: synonymous variant.
Genome position (GRCh38, 1-based): chr17:58,207,957, G>A on the plus strand (C>T on the coding strand, the complement: MKS1 is on the minus strand). VCF-style: chr17-58207957-G-A. GRCh37 (hg19) VCF-style: chr17-56285318-G-A.
Other names: c.601C>T, p.Leu201= (NM_001321268.2); c.1210C>T, p.Leu404= (NM_001321269.2, NM_001330397.2, NM_001411113.1).
Identifiers: ClinVar variation 2930045 (VCV002930045.4), dbSNP rs1968626501, ClinGen allele CA501324685.